The following is an entry in ClinVar:

NM_000891.3(KCNJ2):c.236T>C (p.Ile79Thr)

Gene: KCNJ2 (potassium inwardly rectifying channel subfamily J member 2; plus strand). Cytogenetic location: 17q24.3.
Variant type: single nucleotide variant.
Coding change: c.236T>C on transcript NM_000891.3 (MANE Select); coding-DNA position 236, T replaced by C.
Protein change: p.Ile79Thr; replaces isoleucine 79 with threonine.
Molecular consequence: missense variant.
Genome position (GRCh38, 1-based): chr17:70,175,275, T>C. VCF-style: chr17-70175275-T-C. GRCh37 (hg19) VCF-style: chr17-68171416-T-C.
Other names: p.I79T:ATT>ACT; short protein forms I79T.
Identifiers: ClinVar variation 190809 (VCV000190809.14), dbSNP rs786205813, ClinGen allele CA302026.

ClinVar aggregate classification (germline): Uncertain significance. Review status: criteria provided, multiple submitters, no conflicts (2 of 4 stars). 4 submissions from 4 submitters: Uncertain significance (4). Last evaluated 2025-05-20.

Conditions:
Cardiovascular phenotype. Identifiers: MedGen CN230736.
Andersen Tawil syndrome (LQT7). Also called: PERIODIC PARALYSIS, POTASSIUM-SENSITIVE CARDIODYSRHYTHMIC TYPE; LONG QT SYNDROME 7; ANDERSEN CARDIODYSRHYTHMIC PERIODIC PARALYSIS; Andersen Syndrome; Potassium-sensitive periodic paralysis, ventricular ectopy, and dysmorphic features. Identifiers: Orphanet 37553, MedGen C1563715, MONDO:0008222, OMIM 170390.
Short QT syndrome type 3. Identifiers: Orphanet 51083, MedGen C1865018, MONDO:0012314, OMIM 609622.

Allele frequency attached by ClinVar (database versions not stated): gnomAD 0.00002; TOPMed 0.00003.

Submissions (4):

Labcorp Genetics (formerly Invitae), Labcorp
Classification: Uncertain significance for Short QT syndrome type 3; Andersen Tawil syndrome. Last evaluated: 2025-05-20. Review status: criteria provided, single submitter. Criteria: Invitae Variant Classification Sherloc (09022015). Collection method: clinical testing. Allele origin: germline.
Comment: This sequence change replaces isoleucine, which is neutral and non-polar, with threonine, which is neutral and polar, at codon 79 of the KCNJ2 protein (p.Ile79Thr). This variant is not present in population databases (gnomAD no frequency). This variant has not been reported in the literature in individuals affected with KCNJ2-related conditions. ClinVar contains an entry for this variant (Variation ID: 190809). Invitae Evidence Modeling of protein sequence and biophysical properties (such as structural, functional, and spatial information, amino acid conservation, physicochemical variation, residue mobility, and thermodynamic stability) has been performed for this missense variant. However, the output from this modeling did not meet the statistical confidence thresholds required to predict the impact of this variant on KCNJ2 protein function. In summary, the available evidence is currently insufficient to determine the role of this variant in disease. Therefore, it has been classified as a Variant of Uncertain Significance.

Ambry Genetics
Classification: Uncertain significance for Cardiovascular phenotype. Last evaluated: 2023-11-22. Review status: criteria provided, single submitter. Criteria: Ambry Variant Classification Scheme 2023. Collection method: clinical testing. Allele origin: germline.
Comment: The p.I79T variant (also known as c.236T>C), located in coding exon 1 of the KCNJ2 gene, results from a T to C substitution at nucleotide position 236. The isoleucine at codon 79 is replaced by threonine, an amino acid with similar properties. This amino acid position is highly conserved in available vertebrate species. In addition, this alteration is predicted to be deleterious by in silico analysis. Since supporting evidence is limited at this time, the clinical significance of this alteration remains unclear.

GeneDx
Classification: Uncertain significance. Last evaluated: 2022-08-19. Review status: criteria provided, single submitter. Criteria: GeneDx Variant Classification Process June 2021. Collection method: clinical testing. Allele origin: germline. Affected: yes.
Comment: Published functional studies have shown that I79T is associated with sensitivity to inhibition with carbon monoxide when present with the L222I variant and is associated with sensitivity to inhibition with phorbol 12-myristate 13-acetate (PMA) (Zhu et al., 1999; Liang et al., 2014). However, these results are not sufficient to establish a damaging effect.; Not observed at significant frequency in large population cohorts (gnomAD); In silico analysis supports that this missense variant has a deleterious effect on protein structure/function; This variant is associated with the following publications: (PMID: 10206975, 31589614, 25118981)

Mendelics
Classification: Uncertain significance. Last evaluated: 2022-03-15. Review status: criteria provided, single submitter. Criteria: Mendelics Assertion Criteria 2017. Collection method: clinical testing. Allele origin: unknown.

Literature cited by the submitters: PubMed 10206975 (cited by Ambry Genetics); PubMed 10318782 (cited by Ambry Genetics); PubMed 25118981 (cited by Ambry Genetics); PubMed 31589614 (cited by Ambry Genetics).